The following is an entry in ClinVar:

ClinVar aggregate classification (germline): Benign. Review status: criteria provided, multiple submitters, no conflicts (2 of 4 stars). 7 submissions from 7 submitters: Benign (7). Last evaluated 2026-02-03.

Conditions:
Autosomal dominant nonsyndromic hearing loss 2A. Also called: Autosomal dominant nonsyndromic deafness 2A; DFNA2 Nonsyndromic Hearing Loss; Deafness, autosomal dominant 2A. Identifiers: Orphanet 90635, MedGen C2677637, MONDO:0010817, OMIM 600101.

Allele frequency attached by ClinVar (database versions not stated): ExAC 0.10504; gnomAD exomes 0.10635 and 0.09422; 1000 Genomes Project 30x 0.11259; 1000 Genomes Project 0.11562; ESP Exome Variant Server 0.06589; TOPMed 0.07384; gnomAD 0.07614 and 0.08007.
gnomAD v4.1: 149,670 of 1,611,670 alleles (9.3%); highest among the groups gnomAD compares: East Asian, 19%; 7,857 homozygotes.

Submissions (7):

Labcorp Genetics (formerly Invitae), Labcorp
Classification: Benign. Last evaluated: 2026-02-03. Review status: criteria provided, single submitter. Criteria: Invitae Variant Classification Sherloc (09022015). Collection method: clinical testing. Allele origin: germline.

Genome-Nilou Lab
Classification: Benign for Autosomal dominant nonsyndromic hearing loss 2A. Last evaluated: 2023-04-11. Review status: criteria provided, single submitter. Criteria: ACMG Guidelines, 2015. Collection method: clinical testing. Allele origin: germline. Affected: no.

Mayo Clinic Laboratories, Mayo Clinic
Classification: Benign. Last evaluated: 2020-10-20. Review status: criteria provided, single submitter. Criteria: ACMG Guidelines, 2015. Collection method: clinical testing. Allele origin: germline. Observed: 34 variant alleles.

GeneDx
Classification: Benign. Last evaluated: 2017-08-03. Review status: criteria provided, single submitter. Criteria: GeneDx Variant Classification (06012015). Collection method: clinical testing. Allele origin: germline. Affected: yes.
Comment: This variant is considered likely benign or benign based on one or more of the following criteria: it is a conservative change, it occurs at a poorly conserved position in the protein, it is predicted to be benign by multiple in silico algorithms, and/or has population frequency not consistent with disease.

Laboratory for Molecular Medicine, Mass General Brigham Personalized Medicine
Classification: Benign. Last evaluated: 2012-05-07. Review status: criteria provided, single submitter. Criteria: LMM Criteria. Collection method: clinical testing. Allele origin: germline. Observed: 277 variant alleles.
Comment: "Pro291Pro in Exon 06 of KCNQ4: This variant is not expected to have clinical si gnificance because it does not alter an amino acid residue, is not located withi n the splice consensus sequence, and has been identified in 8.7% (611/7020) of E uropean American chromosomes from a broad population by the NHLBI Exome Sequenci ng Project (dbSNP rs12117176)."

Breakthrough Genomics
Classification: Benign. Review status: criteria provided, single submitter. Criteria: ACMG Guidelines, 2015. Collection method: not provided. Allele origin: germline. Inheritance: Autosomal dominant inheritance. Affected: yes.

PreventionGenetics, part of Exact Sciences
Classification: Benign. Review status: criteria provided, single submitter. Criteria: ACMG Guidelines, 2015. Collection method: clinical testing. Allele origin: germline.

NM_004700.4(KCNQ4):c.873G>A (p.Pro291=)

Gene: KCNQ4 (potassium voltage-gated channel subfamily Q member 4; plus strand). Cytogenetic location: 1p34.2.
Variant type: single nucleotide variant.
Coding change: c.873G>A on transcript NM_004700.4 (MANE Select); coding-DNA position 873, G replaced by A.
Protein change: p.Pro291=; no amino-acid change (proline 291 retained).
Molecular consequence: synonymous variant.
Genome position (GRCh38, 1-based): chr1:40,819,913, G>A. VCF-style: chr1-40819913-G-A. GRCh37 (hg19) VCF-style: chr1-41285585-G-A.
Other names: p.Pro291=; c.873G>A, p.Pro291= (NM_172163.3).
Identifiers: ClinVar variation 45107 (VCV000045107.15), dbSNP rs12117176, ClinGen allele CA135539.